The following is an entry in ClinVar:

ClinVar aggregate classification (germline): Uncertain significance. Review status: criteria provided, multiple submitters, no conflicts (2 of 4 stars). 3 submissions from 3 submitters: Uncertain significance (3). Last evaluated 2024-07-30.

Conditions:
Familial thoracic aortic aneurysm and aortic dissection (TAAD). Also called: Thoracic aortic aneurysms and dissections. Identifiers: Orphanet 91387, MedGen C4707243, MONDO:0019625.
Aortic aneurysm, familial thoracic 4 (AAT4). Also called: AORTIC ANEURYSM/AORTIC DISSECTION AND PATENT DUCTUS ARTERIOSUS. Identifiers: MedGen C1851504, MONDO:0007568, OMIM 132900.

Allele frequency attached by ClinVar (database versions not stated): gnomAD 0.00001.
gnomAD v4.1: 3 of 1,613,226 alleles (0.00019%); highest among the groups gnomAD compares: Non-Finnish European, 0.00025%; no homozygotes.

Submissions (3):

Labcorp Genetics (formerly Invitae), Labcorp
Classification: Uncertain significance for Aortic aneurysm, familial thoracic 4. Last evaluated: 2024-07-30. Review status: criteria provided, single submitter. Criteria: Invitae Variant Classification Sherloc (09022015). Collection method: clinical testing. Allele origin: germline.
Comment: This sequence change replaces arginine, which is basic and polar, with threonine, which is neutral and polar, at codon 1885 of the MYH11 protein (p.Arg1885Thr). This variant is not present in population databases (gnomAD no frequency). This variant has not been reported in the literature in individuals affected with MYH11-related conditions. ClinVar contains an entry for this variant (Variation ID: 923504). Advanced modeling of protein sequence and biophysical properties (such as structural, functional, and spatial information, amino acid conservation, physicochemical variation, residue mobility, and thermodynamic stability) performed at Invitae indicates that this missense variant is not expected to disrupt MYH11 protein function with a negative predictive value of 95%. In summary, the available evidence is currently insufficient to determine the role of this variant in disease. Therefore, it has been classified as a Variant of Uncertain Significance.

Color Diagnostics, LLC DBA Color Health
Classification: Uncertain significance for Familial thoracic aortic aneurysm and aortic dissection. Last evaluated: 2024-03-06. Review status: criteria provided, single submitter. Criteria: ACMG Guidelines, 2015. Collection method: clinical testing. Allele origin: germline.
Comment: This missense variant replaces arginine with threonine at codon 1885 of the MYH11 protein. Computational prediction is inconclusive regarding the impact of this variant on protein structure and function (internally defined REVEL score threshold 0.5 < inconclusive < 0.7, PMID: 27666373). Splice site prediction tools suggest that this variant may not impact RNA splicing. To our knowledge, functional studies have not been performed for this variant. This variant has not been reported in individuals affected with cardiovascular disorders in the literature. This variant has not been identified in the general population by the Genome Aggregation Database (gnomAD). The available evidence is insufficient to determine the role of this variant in disease conclusively. Therefore, this variant is classified as a Variant of Uncertain Significance.

All of Us Research Program, National Institutes of Health
Classification: Uncertain significance for Familial thoracic aortic aneurysm and aortic dissection. Last evaluated: 2023-12-01. Review status: criteria provided, single submitter. Criteria: ACMG Guidelines, 2015. Collection method: clinical testing. Allele origin: germline. Inheritance: Autosomal dominant inheritance. Observed: 1 variant allele, 1 heterozygote.
Comment: This missense variant replaces arginine with threonine at codon 1885 of the MYH11 protein. Computational prediction is inconclusive regarding the impact of this variant on protein structure and function (internally defined REVEL score threshold 0.5 < inconclusive < 0.7, PMID: 27666373). Splice site prediction tools suggest that this variant may not impact RNA splicing. To our knowledge, functional studies have not been performed for this variant. This variant has not been reported in individuals affected with cardiovascular disorders in the literature. This variant has not been identified in the general population by the Genome Aggregation Database (gnomAD). The available evidence is insufficient to determine the role of this variant in disease conclusively. Therefore, this variant is classified as a Variant of Uncertain Significance.

This study involves interpretation of variants in research participants for the purpose of population health screening. Participant phenotype was not available at the time of variant classification. Additional details can be found in publication PMID: 35346344, PMCID: PMC8962531

NM_002474.3(MYH11):c.5633G>C (p.Arg1878Thr)

Genes: MYH11 (myosin heavy chain 11; minus strand), NDE1 (nudE neurodevelopment protein 1; plus strand). Cytogenetic location: 16p13.11.
Variant type: single nucleotide variant.
Coding change: c.5633G>C on transcript NM_002474.3 (MANE Select); coding-DNA position 5633, G replaced by C.
Protein change: p.Arg1878Thr; replaces arginine 1878 with threonine.
Molecular consequence: missense variant. On other transcripts: intron variant (2).
Genome position (GRCh38, 1-based): chr16:15,715,062, C>G on the plus strand (G>C on the coding strand, the complement: MYH11 is on the minus strand). VCF-style: chr16-15715062-C-G. GRCh37 (hg19) VCF-style: chr16-15808919-C-G.
Other names: c.5654G>C, p.Arg1885Thr (NM_001040113.2, NM_001040114.2); c.5633G>C, p.Arg1878Thr (NM_022844.3); c.948-9129C>G (NM_001143979.2, NM_017668.3); short protein forms R1878T, R1885T.
Identifiers: ClinVar variation 923504 (VCV000923504.7), dbSNP rs2040045274, ClinGen allele CA394847067.
Genomic context (GRCh38, chr16:15,715,062, plus strand): 5'-GCGTTGATGCGCTGGGACTCCTCCTCTGCCTCCTCCAGCTGCCTCTTGAGCTGCTTGACC[C>G]TGGCATTGCCTTTCTCTGCCTGTCGCGGAGAGTTGGAGGGGTGGTTAGGGGAGGCCGGCT-3'
Protein context (NP_002465.1, residues 1868-1888): YKEQAEKGNA[Arg1878Thr]VKQLKRQLEE